The following is an entry in ClinVar:

ClinVar aggregate classification (germline): Conflicting classifications of pathogenicity. Review status: criteria provided, conflicting classifications (1 of 4 stars). 2 submissions from 2 submitters: Pathogenic (1); Uncertain significance (1). Last evaluated 2026-08-19.

Conditions:
Hereditary cancer-predisposing syndrome. Also called: Hereditary Cancer Syndrome; Hereditary neoplastic syndrome; Neoplastic Syndromes, Hereditary; Tumor predisposition. Identifiers: Orphanet 140162, MedGen C0027672, MeSH D009386, MONDO:0015356.

Submissions (2):

Ambry Genetics
Classification: Uncertain significance for Hereditary cancer-predisposing syndrome. Last evaluated: 2026-08-19. Review status: criteria provided, single submitter. Criteria: Ambry Variant Classification Scheme 2023. Collection method: clinical testing. Allele origin: germline.
Comment: The c.1185_1188delGGAG variant, located in coding exon 12 of the POLE gene, results from a deletion of 4 nucleotides at nucleotide positions 1185 to 1188, causing a translational frameshift with a predicted alternate stop codon (p.E396Tfs*15). This alteration is expected to result in loss of function by premature protein truncation or nonsense-mediated mRNA decay. Although biallelic loss of function of POLE has been associated with autosomal recessive POLE deficiency, haploinsufficiency of POLE has not been established as a mechanism of disease for POLE-related polymerase proofreading-associated polyposis (PPAP) and POLE-related CMMRD-like syndrome. Based on the supporting evidence, this variant is expected to be causative of POLE deficiency when present along with a second pathogenic variant on the other allele; however, its clinical significance for PPAP and POLE-related CMMRD-like syndrome is unclear.

Labcorp Genetics (formerly Invitae), Labcorp
Classification: Pathogenic. Last evaluated: 2024-03-12. Review status: criteria provided, single submitter. Criteria: Invitae Variant Classification Sherloc (09022015). Collection method: clinical testing. Allele origin: germline.
Comment: This sequence change creates a premature translational stop signal (p.Glu396Thrfs*15) in the POLE gene. It is expected to result in an absent or disrupted protein product. Loss-of-function variants in POLE are known to be pathogenic (PMID: 23230001, 25948378, 30503519). This variant is not present in population databases (gnomAD no frequency). This premature translational stop signal has been observed in individual(s) with breast cancer (PMID: 32792570). For these reasons, this variant has been classified as Pathogenic.

Literature cited by the submitters: PubMed 23230001 (cited by Labcorp Genetics (formerly Invitae), Labcorp); PubMed 25948378 (cited by Labcorp Genetics (formerly Invitae), Labcorp); PubMed 30503519 (cited by Labcorp Genetics (formerly Invitae), Labcorp); PubMed 32792570 (cited by Labcorp Genetics (formerly Invitae), Labcorp).

NM_006231.4(POLE):c.1185_1188del (p.Glu396fs)

Gene: POLE (DNA polymerase epsilon, catalytic subunit; minus strand). Cytogenetic location: 12q24.33.
Variant type: Deletion.
Coding change: c.1185_1188del on transcript NM_006231.4 (MANE Select); coding-DNA positions 1185 to 1188, 4 bases deleted (GGAG; older notation c.1185_1188delGGAG).
Protein change: p.Glu396fs; shifts the reading frame from glutamic acid 396.
Molecular consequence: frameshift variant.
Genome position (GRCh38, 1-based): chr12:132,675,436-132,675,439, CTCC deleted on the plus strand (GGAG on the coding strand, the reverse complement: POLE is on the minus strand); deleting any 4 consecutive bases within chr12:132,675,436-132,675,440 gives the same sequence; the c. name uses the placement nearest the transcript's 3' end. VCF-style (leftmost placement, unchanged base first): chr12-132675435-ACTCC-A. GRCh37 (hg19) VCF-style: chr12-133252021-ACTCC-A.
Other names: c.1185_1188delGGAG (NM_006231.2); short protein forms E396fs.
Identifiers: ClinVar variation 3016935 (VCV003016935.4), dbSNP rs2542157981, ClinGen allele CA2695217690.
Genomic context (GRCh38, chr12:132,675,435, plus strand): 5'-CCATGCTGCTCTGTGGCCCCTACCTGAGGCAGTCCATGTGGATGCACTGGGGCGCCTTGT[ACTCC>A]CCCTGGCTGTCCTTCTGGAAGCCTATCTCCTGCTGCATGCTCAGACCGTGGACTGCTGCC-3'